The following is an entry in ClinVar:

ClinVar aggregate classification (germline): Uncertain significance (1 of 4 stars; one submission).

gnomAD v4.1: 2 of 1,607,768 alleles (0.00012%); highest among the groups gnomAD compares: Non-Finnish European, 0.00017%; no homozygotes.

Submission:

GeneDx
Classification: Uncertain significance. Last evaluated: 2022-01-21. Review status: criteria provided, single submitter. Criteria: GeneDx Variant Classification Process June 2021. Collection method: clinical testing. Allele origin: germline. Affected: yes.
Comment: Not observed at significant frequency in large population cohorts (gnomAD); In silico analysis supports that this missense variant has a deleterious effect on protein structure/function; Has not been previously published as pathogenic or benign to our knowledge

NM_001385012.1(NBEA):c.6724C>T (p.Pro2242Ser)

Gene: NBEA (neurobeachin; plus strand). Cytogenetic location: 13q13.3.
Variant type: single nucleotide variant.
Coding change: c.6724C>T on transcript NM_001385012.1 (MANE Select); coding-DNA position 6724, C replaced by T.
Protein change: p.Pro2242Ser; replaces proline 2242 with serine.
Molecular consequence: missense variant.
Genome position (GRCh38, 1-based): chr13:35,550,950, C>T. VCF-style: chr13-35550950-C-T. GRCh37 (hg19) VCF-style: chr13-36125087-C-T.
Other names: c.103C>T, p.Pro35Ser (NM_001204197.3); c.6715C>T, p.Pro2239Ser (NM_001379245.1); c.6724C>T, p.Pro2242Ser (NM_015678.5); short protein forms P2239S, P2242S, P35S.
Identifiers: ClinVar variation 1698362 (VCV001698362.2), dbSNP rs2153013060, ClinGen allele CA387985884.